The following is an entry in ClinVar:

ClinVar aggregate classification (germline): Likely benign. Review status: criteria provided, multiple submitters, no conflicts (2 of 4 stars). 2 submissions from 2 submitters: Likely benign (2). Last evaluated 2018-01-13.

Conditions:
Leber congenital amaurosis 12 (LCA12). Identifiers: Orphanet 65, MedGen C1857743, MONDO:0012525, OMIM 610612.

Allele frequency attached by ClinVar (database versions not stated): gnomAD 0.03264 and 0.03379; TOPMed 0.03421; 1000 Genomes Project 30x 0.03576; 1000 Genomes Project 0.03594.

Submissions (2):

Illumina Laboratory Services, Illumina
Classification: Likely benign for Leber congenital amaurosis 12. Last evaluated: 2018-01-13. Review status: criteria provided, single submitter. Criteria: ICSL Variant Classification Criteria 13 December 2019. Collection method: clinical testing. Allele origin: germline.
Comment: This variant was observed in the ICSL laboratory as part of a predisposition screen in an ostensibly healthy population. It had not been previously curated by ICSL or reported in the Human Gene Mutation Database (HGMD: prior to June 1st, 2018), and was therefore a candidate for classification through an automated scoring system. Utilizing variant allele frequency, disease prevalence and penetrance estimates, and inheritance mode, an automated score was calculated to assess if this variant is too frequent to cause the disease. Based on the score and internal cut-off values, a variant classified as likely benign is not then subjected to further curation. The score for this variant resulted in a classification of likely benign for this disease.

Breakthrough Genomics
Classification: Likely benign. Review status: criteria provided, single submitter. Criteria: ACMG Guidelines, 2015. Collection method: not provided. Allele origin: germline. Inheritance: Autosomal recessive inheritance. Affected: yes.

NM_001164688.2(RD3):c.*2503G>T

Gene: RD3 (RD3 regulator of GUCY2D; minus strand). Cytogenetic location: 1q32.3.
Variant type: single nucleotide variant.
Coding change: c.*2503G>T on transcript NM_001164688.2 (MANE Select); 2503 bases downstream of the stop codon, G replaced by T.
Molecular consequence: 3 prime UTR variant.
Genome position (GRCh38, 1-based): chr1:211,476,533, C>A on the plus strand (G>T on the coding strand, the complement: RD3 is on the minus strand). VCF-style: chr1-211476533-C-A. GRCh37 (hg19) VCF-style: chr1-211649875-C-A.
Other names: c.*2503G>T (NM_183059.3).
Identifiers: ClinVar variation 295220 (VCV000295220.6), dbSNP rs41309617, ClinGen allele CA10609685.
Genomic context (GRCh38, chr1:211,476,533, plus strand): 5'-CTCCAAAATAACACCAGCCACTCATCAGATACTTACAAGGACACTCTCAAACTTTTTGTT[C>A]TTTTATTTGTGGTTATTGAGGTTTCAATAATAGTAATGGAAGCAGACCTCATTAGTCCCT-3'